The following is an entry in ClinVar:

NM_144672.4(OTOA):c.1693G>A (p.Gly565Arg)

Gene: OTOA (otoancorin). Cytogenetic location: 16p12.2.
Variant type: single nucleotide variant.
Coding change: c.1693G>A on transcript NM_144672.4 (MANE Select); coding-DNA position 1693, G replaced by A.
Protein change: p.Gly565Arg; replaces glycine 565 with arginine.
Molecular consequence: missense variant.
Genome position (GRCh38, 1-based): chr16:21,719,391, G>A. VCF-style: chr16-21719391-G-A. GRCh37 (hg19) VCF-style: chr16-21730712-G-A.
Other names: c.1456G>A, p.Gly486Arg (NM_001161683.2); c.721G>A, p.Gly241Arg (NM_170664.3); short protein forms G241R, G486R, G565R.
Identifiers: ClinVar variation 4082914 (VCV004082914.1).
Genomic context (GRCh38, chr16:21,719,391, plus strand): 5'-TCTTTCCTCTCCTCCTCACTTCCTTCCTCTCCCGAGTGCCTTGTTTTGTTTTCTAGTGCT[G>A]GGCAGCTGGTCAAAGGCGTGACCTGCTCACACATTGATGCCATGAGCACTGACTTCTTTC-3'
Protein context (NP_653273.3, residues 555-575): TRRPEELLSA[Gly565Arg]QLVKGVTCSH

ClinVar aggregate classification (germline): Uncertain significance (1 of 4 stars; one submission).

Submission:

GeneDx
Classification: Uncertain significance. Last evaluated: 2025-03-11. Review status: criteria provided, single submitter. Criteria: GeneDx Variant Classification Process June 2021. Collection method: clinical testing. Allele origin: germline. Affected: yes.
Comment: Not observed at significant frequency in large population cohorts (gnomAD); In silico analysis supports that this missense variant has a deleterious effect on protein structure/function; Has not been previously published as pathogenic or benign to our knowledge